The following is an entry in ClinVar:

NM_020745.4(AARS2):c.978C>T (p.Asp326=)

Gene: AARS2 (alanyl-tRNA synthetase 2, mitochondrial; minus strand). Cytogenetic location: 6p21.1.
Variant type: single nucleotide variant.
Coding change: c.978C>T on transcript NM_020745.4 (MANE Select); coding-DNA position 978, C replaced by T.
Protein change: p.Asp326=; no amino-acid change (aspartic acid 326 retained).
Molecular consequence: synonymous variant.
Genome position (GRCh38, 1-based): chr6:44,307,311, G>A on the plus strand (C>T on the coding strand, the complement: AARS2 is on the minus strand). VCF-style: chr6-44307311-G-A. GRCh37 (hg19) VCF-style: chr6-44275048-G-A.
Identifiers: ClinVar variation 4873815 (VCV004873815.2).

ClinVar aggregate classification (germline): Likely benign (1 of 4 stars; one submission).

gnomAD v4.1: 1 of 1,613,852 alleles (0.000062%); highest among the groups gnomAD compares: Non-Finnish European, 0.000085%; no homozygotes.

Submission:

CeGaT Center for Human Genetics Tuebingen
Classification: Likely benign. Last evaluated: 2026-06-01. Review status: criteria provided, single submitter. Criteria: CeGaT Center For Human Genetics Tuebingen Variant Classification Criteria Version 2. Collection method: clinical testing. Allele origin: germline. Affected: yes. Observed: 1 variant allele.
Comment: AARS2: BP4, BP7